The following is an entry in ClinVar:

NM_004006.3(DMD):c.9564-6T>C

Gene: DMD (dystrophin; minus strand). Cytogenetic location: Xp21.2.
Variant type: single nucleotide variant.
Coding change: c.9564-6T>C on transcript NM_004006.3 (MANE Select); 6 bases into the intron before coding-DNA position 9564, T replaced by C.
Molecular consequence: intron variant.
Genome position (GRCh38, 1-based): chrX:31,206,673, A>G on the plus strand (T>C on the coding strand, the complement: DMD is on the minus strand). VCF-style: chrX-31206673-A-G. GRCh37 (hg19) VCF-style: chrX-31224790-A-G.
Other names: c.9540-6T>C (NM_000109.4); c.5541-6T>C (NM_004011.4); c.5532-6T>C (NM_004012.4); c.2184-6T>C (NM_004023.3, NM_004020.4, NM_004022.3 and 2 more transcripts); c.1377-6T>C (NM_004014.3); c.360-6T>C (NM_004018.3, NM_004017.3, NM_004016.3 and 2 more transcripts); c.9552-6T>C (NM_004009.3); c.9195-6T>C (NM_004010.3).
Identifiers: ClinVar variation 227312 (VCV000227312.13), dbSNP rs876657453, ClinGen allele CA10577162.

ClinVar aggregate classification (germline): Likely benign. Review status: criteria provided, multiple submitters, no conflicts (2 of 4 stars). 3 submissions from 3 submitters: Likely benign (3). Last evaluated 2025-06-18.

Conditions:
Duchenne muscular dystrophy (DMD). Also called: Duchenne Muscular Dystrophy (DMD); MUSCULAR DYSTROPHY, PSEUDOHYPERTROPHIC PROGRESSIVE, DUCHENNE TYPE. Identifiers: Orphanet 98896, MedGen C0013264, MONDO:0010679, OMIM 310200.

Submissions (3):

Labcorp Genetics (formerly Invitae), Labcorp
Classification: Likely benign for Duchenne muscular dystrophy. Last evaluated: 2025-06-18. Review status: criteria provided, single submitter. Criteria: Invitae Variant Classification Sherloc (09022015). Collection method: clinical testing. Allele origin: germline.

Blueprint Genetics
Classification: Likely benign. Last evaluated: 2021-11-04. Review status: criteria provided, single submitter. Criteria: ACMG Guidelines, 2015. Collection method: clinical testing. Allele origin: germline.

Laboratory for Molecular Medicine, Mass General Brigham Personalized Medicine
Classification: Likely benign. Last evaluated: 2015-06-24. Review status: criteria provided, single submitter. Criteria: LMM Criteria. Collection method: clinical testing. Allele origin: germline. Observed: 1 variant allele.
Comment: c.9564-6 T>C in exon 66 of DMD: This variant is not expected to have clinical si gnificance because a T>C change at this position does not diverge from the splic e consensus sequence and is therefore unlikely to impact splicing.